The following is an entry in ClinVar:

NM_002439.5(MSH3):c.1834G>A (p.Glu612Lys)

Gene: MSH3 (mutS homolog 3; plus strand). Cytogenetic location: 5q14.1.
Variant type: single nucleotide variant.
Coding change: c.1834G>A on transcript NM_002439.5 (MANE Select); coding-DNA position 1834, G replaced by A.
Protein change: p.Glu612Lys; replaces glutamic acid 612 with lysine.
Molecular consequence: missense variant.
Genome position (GRCh38, 1-based): chr5:80,761,616, G>A. VCF-style: chr5-80761616-G-A. GRCh37 (hg19) VCF-style: chr5-80057435-G-A.
Other names: short protein forms E612K.
Identifiers: ClinVar variation 649197 (VCV000649197.16), dbSNP rs759247521, ClinGen allele CA3328059.

ClinVar aggregate classification (germline): Uncertain significance. Review status: criteria provided, multiple submitters, no conflicts (2 of 4 stars). 4 submissions from 4 submitters: Uncertain significance (4). Last evaluated 2025-12-04.

Conditions:
Hereditary cancer-predisposing syndrome. Also called: Neoplastic Syndromes, Hereditary; Tumor predisposition; Hereditary Cancer Syndrome; Hereditary neoplastic syndrome. Identifiers: Orphanet 140162, MedGen C0027672, MeSH D009386, MONDO:0015356.
Familial adenomatous polyposis 4 (FAP4). Also called: MSH3-related attenuated familial adenomatous polyposis. Identifiers: Orphanet 480536, MedGen C4310719, MONDO:0044300, OMIM 617100.
Endometrial carcinoma. Also called: Endometrial carcinoma, somatic. Identifiers: MedGen C0476089, MONDO:0002447, OMIM 608089, HP:0012114.

Allele frequency attached by ClinVar (database versions not stated): TOPMed below 0.00001; gnomAD 0.00001; gnomAD exomes 0.00001 and 0.00002; ExAC 0.00003.
gnomAD v4.1: 23 of 1,613,972 alleles (0.0014%); highest among the groups gnomAD compares: Non-Finnish European, 0.0018%; no homozygotes.

Submissions (4):

Ambry Genetics
Classification: Uncertain significance for Hereditary cancer-predisposing syndrome. Last evaluated: 2025-12-04. Review status: criteria provided, single submitter. Criteria: Ambry Variant Classification Scheme 2023. Collection method: clinical testing. Allele origin: germline.
Comment: The p.E612K variant (also known as c.1834G>A), located in coding exon 13 of the MSH3 gene, results from a G to A substitution at nucleotide position 1834. The glutamic acid at codon 612 is replaced by lysine, an amino acid with similar properties. This amino acid position is conserved. In addition, the in silico prediction for this alteration is inconclusive. Since supporting evidence is limited at this time, the clinical significance of this alteration remains unclear.

Labcorp Genetics (formerly Invitae), Labcorp
Classification: Uncertain significance. Last evaluated: 2025-08-26. Review status: criteria provided, single submitter. Criteria: Invitae Variant Classification Sherloc (09022015). Collection method: clinical testing. Allele origin: germline.
Comment: This sequence change replaces glutamic acid, which is acidic and polar, with lysine, which is basic and polar, at codon 612 of the MSH3 protein (p.Glu612Lys). This variant is present in population databases (rs759247521, gnomAD 0.004%). This variant has not been reported in the literature in individuals affected with MSH3-related conditions. ClinVar contains an entry for this variant (Variation ID: 649197). An algorithm developed to predict the effect of missense changes on protein structure and function (PolyPhen-2) suggests that this variant is likely to be tolerated. In summary, the available evidence is currently insufficient to determine the role of this variant in disease. Therefore, it has been classified as a Variant of Uncertain Significance.

Center for Genomic Medicine, Rigshospitalet, Copenhagen University Hospital
Classification: Uncertain significance. Last evaluated: 2025-03-04. Review status: criteria provided, single submitter. Criteria: ACMG Guidelines, 2015. Collection method: clinical testing. Allele origin: germline.

Baylor Genetics
Classification: Uncertain significance for Endometrial carcinoma. Last evaluated: 2023-08-25. Review status: criteria provided, single submitter. Criteria: ACMG Guidelines, 2015. Collection method: clinical testing. Allele origin: unknown.